The following is an entry in ClinVar:

NM_001853.4(COL9A3):c.1242C>T (p.Pro414=)

Gene: COL9A3 (collagen type IX alpha 3 chain; plus strand). Cytogenetic location: 20q13.33.
Variant type: single nucleotide variant.
Coding change: c.1242C>T on transcript NM_001853.4 (MANE Select); coding-DNA position 1242, C replaced by T.
Protein change: p.Pro414=; no amino-acid change (proline 414 retained).
Molecular consequence: synonymous variant.
Genome position (GRCh38, 1-based): chr20:62,830,543, C>T. VCF-style: chr20-62830543-C-T. GRCh37 (hg19) VCF-style: chr20-61461895-C-T.
Other names: c.1242C>T, p.Pro414= (LRG_1253t1).
Identifiers: ClinVar variation 339286 (VCV000339286.43), dbSNP rs150153886, ClinGen allele CA9949846.

ClinVar aggregate classification (germline): Conflicting classifications of pathogenicity. Review status: criteria provided, conflicting classifications (1 of 4 stars). 5 submissions from 5 submitters: Uncertain significance (1); Benign (1); Likely benign (3). Last evaluated 2026-03-01.

Allele frequency attached by ClinVar (database versions not stated): 1000 Genomes Project 0.00040; 1000 Genomes Project 30x 0.00062; TOPMed 0.00068; gnomAD 0.00085 and 0.00087; gnomAD exomes 0.00087; ESP Exome Variant Server 0.00116; ExAC 0.00135.
gnomAD v4.1: 1,993 of 1,608,168 alleles (0.12%); highest among the groups gnomAD compares: Non-Finnish European, 0.15%; 1 homozygote.

Submissions (5):

CeGaT Center for Human Genetics Tuebingen
Classification: Likely benign. Last evaluated: 2026-03-01. Review status: criteria provided, single submitter. Criteria: CeGaT Center For Human Genetics Tuebingen Variant Classification Criteria Version 2. Collection method: clinical testing. Allele origin: germline. Affected: yes. Observed: 2 variant alleles.
Comment: COL9A3: BP4, BP7

Labcorp Genetics (formerly Invitae), Labcorp
Classification: Benign. Last evaluated: 2026-02-01. Review status: criteria provided, single submitter. Criteria: Invitae Variant Classification Sherloc (09022015). Collection method: clinical testing. Allele origin: germline.

Blueprint Genetics
Classification: Likely benign. Last evaluated: 2024-11-20. Review status: criteria provided, single submitter. Criteria: ACMG Guidelines, 2015. Collection method: clinical testing. Allele origin: germline.

GeneDx
Classification: Likely benign. Last evaluated: 2021-02-09. Review status: criteria provided, single submitter. Criteria: GeneDx Variant Classification Process June 2021. Collection method: clinical testing. Allele origin: germline. Affected: yes.

Eurofins Ntd Llc (ga)
Classification: Uncertain significance. Last evaluated: 2018-05-02. Review status: criteria provided, single submitter. Criteria: EGL ClinVar v180209 classification definitions. Collection method: clinical testing. Allele origin: germline. Observed: 2 variant alleles, 2 heterozygotes.